The following is an entry in ClinVar:

ClinVar aggregate classification (germline): Uncertain significance (1 of 4 stars; one submission).

Conditions:
Tyrosinase-positive oculocutaneous albinism (OCA2). Also called: Albinism, oculocutaneous, type II; ALBINISM II; Oculocutaneous albinism type 2. Identifiers: Orphanet 79432, MedGen C0268495, MONDO:0008746, OMIM 203200.

Allele frequency attached by ClinVar (database versions not stated): gnomAD exomes 0.00001 and 0.00003; ExAC 0.00002; gnomAD 0.00003; TOPMed 0.00003.
gnomAD v4.1: 46 of 1,609,358 alleles (0.0029%); highest among the groups gnomAD compares: Non-Finnish European, 0.0039%; no homozygotes.

Submission:

Illumina Laboratory Services, Illumina
Classification: Uncertain significance for Tyrosinase-positive oculocutaneous albinism. Last evaluated: 2017-04-27. Review status: criteria provided, single submitter. Criteria: ICSL Variant Classification Criteria 13 December 2019. Collection method: clinical testing. Allele origin: germline.
Comment: This variant was observed as part of a predisposition screen in an ostensibly healthy population. A literature search was performed for the gene, cDNA change, and amino acid change (where applicable). Publications were found based on this search. However, the evidence from the literature, in combination with allele frequency data from public databases where available, was not sufficient to rule this variant in or out of causing disease. Therefore, this variant is classified as a variant of unknown significance.

Literature cited by the submitters: PubMed 10987646.

NM_000275.3(OCA2):c.1849A>T (p.Ile617Leu)

Gene: OCA2 (OCA2 melanosomal transmembrane protein; minus strand). Cytogenetic location: 15q13.1.
Variant type: single nucleotide variant.
Coding change: c.1849A>T on transcript NM_000275.3 (MANE Select); coding-DNA position 1849, A replaced by T.
Protein change: p.Ile617Leu; replaces isoleucine 617 with leucine.
Molecular consequence: missense variant.
Genome position (GRCh38, 1-based): chr15:27,951,886, T>A on the plus strand (A>T on the coding strand, the complement: OCA2 is on the minus strand). VCF-style: chr15-27951886-T-A. GRCh37 (hg19) VCF-style: chr15-28197032-T-A.
Other names: c.1777A>T, p.Ile593Leu (NM_001300984.2); short protein forms I593L, I617L.
Identifiers: ClinVar variation 888346 (VCV000888346.4), dbSNP rs763016773, ClinGen allele CA7438869.